The following is an entry in ClinVar:

ClinVar aggregate classification (germline): Pathogenic (1 of 4 stars; one submission).

Submission:

GeneDx
Classification: Pathogenic. Last evaluated: 2018-12-04. Review status: criteria provided, single submitter. Criteria: GeneDx Variant Classification (06012015). Collection method: clinical testing. Allele origin: germline. Affected: yes.
Comment: The c.1533dupT pathogenic variant in the TSC1 gene causes a frameshift starting with codon Leucine 512, changes this amino acid to a Serine residue and creates a premature Stop codon at position 23 of the new reading frame, denoted p.Leu512SerfsX23. This pathogenic variant is predicted to cause loss of normal protein function either through protein truncation or nonsense-mediated mRNA decay. This variant is not observed at a significant frequency in large population cohorts (Lek et al., 2016).

NM_000368.5(TSC1):c.1533dup (p.Leu512fs)

Gene: TSC1 (TSC complex subunit 1; minus strand). Cytogenetic location: 9q34.13.
Variant type: Duplication.
Coding change: c.1533dup on transcript NM_000368.5 (MANE Select); coding-DNA position 1533, one base duplicated (T; older notation c.1533dupT).
Protein change: p.Leu512fs; shifts the reading frame from leucine 512.
Molecular consequence: frameshift variant.
Genome position (GRCh38, 1-based): chr9:132,906,045, A duplicated on the plus strand (T on the coding strand, the reverse complement: TSC1 is on the minus strand). VCF-style (leftmost placement, unchanged base first): chr9-132906044-G-GA. GRCh37 (hg19) VCF-style: chr9-135781431-G-GA.
Other names: c.1530dup, p.Leu511fs (NM_001162426.2); c.1380dup, p.Leu461fs (NM_001162427.2); c.1170dup, p.Leu391fs (NM_001362177.2); c.1533dupT (NM_000368.4); short protein forms L511fs, L391fs, L461fs, L512fs.
Identifiers: ClinVar variation 504410 (VCV000504410.2), dbSNP rs1554816029, ClinGen allele CA658797320.